The following is an entry in ClinVar:

NM_032977.4(CASP10):c.1526A>G (p.Lys509Arg)

Gene: CASP10 (caspase 10; plus strand). Cytogenetic location: 2q33.1.
Variant type: single nucleotide variant.
Coding change: c.1526A>G on transcript NM_032977.4 (MANE Select); coding-DNA position 1526, A replaced by G.
Protein change: p.Lys509Arg; replaces lysine 509 with arginine.
Molecular consequence: missense variant. On other transcripts: intron variant (2), 3 prime UTR variant (1).
Genome position (GRCh38, 1-based): chr2:201,217,698, A>G. VCF-style: chr2-201217698-A-G. GRCh37 (hg19) VCF-style: chr2-202082421-A-G.
Other names: c.1286+8136A>G (NM_001206542.2); c.1325A>G, p.Lys442Arg (NM_001206524.2); c.1397A>G, p.Lys466Arg (NM_001230.5); c.*612A>G (NM_032976.4); c.1415+8136A>G (NM_032974.5); short protein forms K442R, K466R, K509R.
Identifiers: ClinVar variation 3751100 (VCV003751100.2).
Genomic context (GRCh38, chr2:201,217,698, plus strand): 5'-GAAGAGTGGACAAACAGGGAACAAAGAAACAGATGCCCCAGCCTGCTTTCACACTAAGGA[A>G]AAAACTAGTATTCCCTGTGCCCCTGGATGCACTTTCATTATAGCAGAGAGTTTTTGTTGG-3'
Protein context (NP_116759.2, residues 499-519): QMPQPAFTLR[Lys509Arg]KLVFPVPLDA

ClinVar aggregate classification (germline): Uncertain significance (1 of 4 stars; one submission).

Conditions:
Autoimmune lymphoproliferative syndrome type 2A (ALPS2A). Also called: CASP10-Related Autoimmune Lymphoproliferative Syndrome; AUTOIMMUNE LYMPHOPROLIFERATIVE SYNDROME, TYPE IIA; Autoimmune lymphoproliferative syndrome type 2. Identifiers: Orphanet 3261, MedGen C1858968, MONDO:0011383, OMIM 603909.

Submission:

Labcorp Genetics (formerly Invitae), Labcorp
Classification: Uncertain significance for Autoimmune lymphoproliferative syndrome type 2A. Last evaluated: 2024-05-09. Review status: criteria provided, single submitter. Criteria: Invitae Variant Classification Sherloc (09022015). Collection method: clinical testing. Allele origin: germline.
Comment: This sequence change replaces lysine, which is basic and polar, with arginine, which is basic and polar, at codon 509 of the CASP10 protein (p.Lys509Arg). This variant is not present in population databases (gnomAD no frequency). This variant has not been reported in the literature in individuals affected with CASP10-related conditions. Algorithms developed to predict the effect of missense changes on protein structure and function output the following: SIFT: "Not Available"; PolyPhen-2: "Benign"; Align-GVGD: "Not Available". The arginine amino acid residue is found in multiple mammalian species, which suggests that this missense change does not adversely affect protein function. In summary, the available evidence is currently insufficient to determine the role of this variant in disease. Therefore, it has been classified as a Variant of Uncertain Significance.